The following is an entry in ClinVar:

NM_014855.3(AP5Z1):c.42G>A (p.Arg14=)

Gene: AP5Z1 (adaptor related protein complex 5 subunit zeta 1; plus strand). Cytogenetic location: 7p22.1.
Variant type: single nucleotide variant.
Coding change: c.42G>A on transcript NM_014855.3 (MANE Select); coding-DNA position 42, G replaced by A.
Protein change: p.Arg14=; no amino-acid change (arginine 14 retained).
Molecular consequence: synonymous variant. On other transcripts: 5 prime UTR variant (1), non-coding transcript variant (1).
Genome position (GRCh38, 1-based): chr7:4,781,175, G>A. VCF-style: chr7-4781175-G-A. GRCh37 (hg19) VCF-style: chr7-4820806-G-A.
Other names: c.-240G>A (NM_001364858.1).
Identifiers: ClinVar variation 855957 (VCV000855957.9), dbSNP rs1469934561, ClinGen allele CA453474639.

ClinVar aggregate classification (germline): Uncertain significance (1 of 4 stars; one submission).

Conditions:
Hereditary spastic paraplegia 48. Also called: Spastic paraplegia 48; SPASTIC PARAPLEGIA 48, AUTOSOMAL RECESSIVE. Identifiers: Orphanet 306511, MedGen C3150901, MONDO:0013342, OMIM 613647.

Allele frequency attached by ClinVar (database versions not stated): TOPMed below 0.00001; gnomAD 0.00001; gnomAD exomes 0.00001.

Submission:

Labcorp Genetics (formerly Invitae), Labcorp
Classification: Uncertain significance for Hereditary spastic paraplegia 48. Last evaluated: 2019-03-11. Review status: criteria provided, single submitter. Criteria: Invitae Variant Classification Sherloc (09022015). Collection method: clinical testing. Allele origin: germline.
Comment: In summary, the available evidence is currently insufficient to determine the role of this variant in disease. Therefore, it has been classified as a Variant of Uncertain Significance. Algorithms developed to predict the effect of sequence changes on RNA splicing suggest that this variant may disrupt the consensus splice site, but this prediction has not been confirmed by published transcriptional studies. This variant has not been reported in the literature in individuals with AP5Z1-related conditions. This variant is not present in population databases (ExAC no frequency). This sequence change affects codon 14 of the AP5Z1 mRNA. It is a 'silent' change, meaning that it does not change the encoded amino acid sequence of the AP5Z1 protein.